The following is an entry in ClinVar:

ClinVar aggregate classification (germline): Pathogenic (1 of 4 stars; one submission).

Allele frequency attached by ClinVar (database versions not stated): TOPMed below 0.00001; gnomAD 0.00001.
gnomAD v4.1: 1 of 1,551,652 alleles (0.000064%); highest among the groups gnomAD compares: Non-Finnish European, 0.000087%; no homozygotes.

Submission:

Labcorp Genetics (formerly Invitae), Labcorp
Classification: Pathogenic. Last evaluated: 2024-11-03. Review status: criteria provided, single submitter. Criteria: Invitae Variant Classification Sherloc (09022015). Collection method: clinical testing. Allele origin: germline.
Comment: This sequence change creates a premature translational stop signal (p.Trp3*) in the FZD4 gene. It is expected to result in an absent or disrupted protein product. Loss-of-function variants in FZD4 are known to be pathogenic (PMID: 2766845, 15035989, 25711638, 26244290). This variant is not present in population databases (gnomAD no frequency). This variant has not been reported in the literature in individuals affected with FZD4-related conditions. ClinVar contains an entry for this variant (Variation ID: 968240). For these reasons, this variant has been classified as Pathogenic.

Literature cited by the submitters: PubMed 2766845; PubMed 15035989; PubMed 25711638; PubMed 26244290.

NM_012193.4(FZD4):c.9G>A (p.Trp3Ter)

Genes: FZD4 (frizzled class receptor 4; minus strand), LOC130006561 (ATAC-STARR-seq lymphoblastoid silent region 3828; plus strand). Cytogenetic location: 11q14.2.
Variant type: single nucleotide variant.
Coding change: c.9G>A on transcript NM_012193.4 (MANE Select); coding-DNA position 9, G replaced by A.
Protein change: p.Trp3Ter; replaces tryptophan 3 with a stop codon.
Molecular consequence: nonsense.
Genome position (GRCh38, 1-based): chr11:86,955,077, C>T on the plus strand (G>A on the coding strand, the complement: FZD4 is on the minus strand). VCF-style: chr11-86955077-C-T. GRCh37 (hg19) VCF-style: chr11-86666119-C-T.
Other names: short protein forms W3*.
Identifiers: ClinVar variation 968240 (VCV000968240.8), dbSNP rs1949325180, ClinGen allele CA382018682.